The following is an entry in ClinVar:

ClinVar aggregate classification (germline): Uncertain significance (1 of 4 stars; one submission).

Submission:

Labcorp Genetics (formerly Invitae), Labcorp
Classification: Uncertain significance. Last evaluated: 2024-11-18. Review status: criteria provided, single submitter. Criteria: Invitae Variant Classification Sherloc (09022015). Collection method: clinical testing. Allele origin: germline.
Comment: This variant, c.174_191dup, results in the insertion of 6 amino acid(s) of the RUNX2 protein (p.Gln66_Gln71dup), but otherwise preserves the integrity of the reading frame. This variant is not present in population databases (gnomAD no frequency). This variant has not been reported in the literature in individuals affected with RUNX2-related conditions. In summary, the available evidence is currently insufficient to determine the role of this variant in disease. Therefore, it has been classified as a Variant of Uncertain Significance.

NM_001024630.4(RUNX2):c.174_191dup (p.Gln71_Glu72insGlnGlnGlnGlnGlnGln)

Genes: RUNX2 (RUNX family transcription factor 2; plus strand), LOC109611589 (runt related transcription factor 2 polyalanine expansion region; plus strand). Cytogenetic location: 6p21.1.
Variant type: Duplication.
Coding change: c.174_191dup on transcript NM_001024630.4 (MANE Select); coding-DNA positions 174 to 191, 18 bases duplicated (ACAGCAGCAGCAGCAGCA).
Protein change: p.Gln71_Glu72insGlnGlnGlnGlnGlnGln.
Molecular consequence: inframe insertion.
Genome position (GRCh38, 1-based): chr6:45,422,708-45,422,725, ACAGCAGCAGCAGCAGCA duplicated; duplicating any 18 consecutive bases within chr6:45,422,694-45,422,725 gives the same sequence; the c. name uses the placement nearest the transcript's 3' end. VCF-style (leftmost placement, unchanged base first): chr6-45422693-A-ACAGCAGCAGCAGCAACAG. GRCh37 (hg19) VCF-style: chr6-45390430-A-ACAGCAGCAGCAGCAACAG.
Other names: c.174_191dup, p.Gln71_Glu72insGlnGlnGlnGlnGlnGln (NM_001015051.4); c.132_149dup, p.Gln57_Glu58insGlnGlnGlnGlnGlnGln (NM_001278478.2, NM_001369405.1).
Identifiers: ClinVar variation 3606923 (VCV003606923.2).